The following is an entry in ClinVar:

NM_000834.5(GRIN2B):c.1479C>A (p.Thr493=)

Gene: GRIN2B (glutamate ionotropic receptor NMDA type subunit 2B; minus strand). Cytogenetic location: 12p13.1.
Variant type: single nucleotide variant.
Coding change: c.1479C>A on transcript NM_000834.5 (MANE Select); coding-DNA position 1479, C replaced by A.
Protein change: p.Thr493=; no amino-acid change (threonine 493 retained).
Molecular consequence: synonymous variant.
Genome position (GRCh38, 1-based): chr12:13,615,514, G>T on the plus strand (C>A on the coding strand, the complement: GRIN2B is on the minus strand). VCF-style: chr12-13615514-G-T. GRCh37 (hg19) VCF-style: chr12-13768448-G-T.
Identifiers: ClinVar variation 745458 (VCV000745458.30), dbSNP rs202139349, ClinGen allele CA478773378.

ClinVar aggregate classification (germline): Likely benign. Review status: criteria provided, multiple submitters, no conflicts (2 of 4 stars). 2 submissions from 2 submitters: Likely benign (2). Last evaluated 2023-12-01.

Conditions:
Intellectual developmental disorder, autosomal dominant 6, with or without seizures. Also called: Intellectual disability, autosomal dominant 6; GRIN2B-related developmental delay, intellectual disability and autism spectrum disorder. Identifiers: Orphanet 589547, MedGen C3151411, MONDO:0013509, OMIM 613970.
Developmental and epileptic encephalopathy, 27 (DEE27). Also called: GRIN2B-Related Neurodevelopmental Disorder; Epileptic encephalopathy, early infantile, 27. Identifiers: Orphanet 3451, MedGen C4015316, MONDO:0014505, OMIM 616139.

Submissions (2):

CeGaT Center for Human Genetics Tuebingen
Classification: Likely benign. Last evaluated: 2023-12-01. Review status: criteria provided, single submitter. Criteria: CeGaT Center For Human Genetics Tuebingen Variant Classification Criteria Version 2. Collection method: clinical testing. Allele origin: germline. Affected: yes. Observed: 1 variant allele.
Comment: GRIN2B: PM2:Supporting, BP4, BP7

Labcorp Genetics (formerly Invitae), Labcorp
Classification: Likely benign for Developmental and epileptic encephalopathy, 27; Intellectual developmental disorder, autosomal dominant 6, with or without seizures. Last evaluated: 2018-02-08. Review status: criteria provided, single submitter. Criteria: Invitae Variant Classification Sherloc (09022015). Collection method: clinical testing. Allele origin: germline.